The following is an entry in ClinVar:

NM_005343.4(HRAS):c.179G>A (p.Gly60Asp)

Genes: HRAS (HRas proto-oncogene, GTPase; minus strand), LRRC56 (leucine rich repeat containing 56; plus strand). Cytogenetic location: 11p15.5.
Variant type: single nucleotide variant.
Coding change: c.179G>A on transcript NM_005343.4 (MANE Select); coding-DNA position 179, G replaced by A.
Protein change: p.Gly60Asp; replaces glycine 60 with aspartic acid.
Molecular consequence: missense variant. On other transcripts: 5 prime UTR variant (1).
Genome position (GRCh38, 1-based): chr11:533,877, C>T on the plus strand (G>A on the coding strand, the complement: HRAS is on the minus strand). VCF-style: chr11-533877-C-T. GRCh37 (hg19) VCF-style: chr11-533877-C-T.
Other names: p.G60D:GGC>GAC; p.Gly60Asp; c.179G>A, p.Gly60Asp (NM_001130442.3, NM_176795.5); c.-141G>A (NM_001318054.2); short protein forms G60D.
Identifiers: ClinVar variation 40436 (VCV000040436.12), dbSNP rs730880460, ClinGen allele CA296057.

ClinVar aggregate classification (germline): Pathogenic. Review status: criteria provided, multiple submitters, no conflicts (2 of 4 stars). 3 submissions from 3 submitters: Pathogenic (3). Last evaluated 2024-07-29.

Conditions:
Costello syndrome (CSTLO). Also called: HRAS-Related Costello Syndrome; FACIOCUTANEOSKELETAL SYNDROME; FCS SYNDROME. Identifiers: Orphanet 3071, MedGen C0587248, MONDO:0009026, OMIM 218040.

Allele frequency attached by ClinVar (database versions not stated): gnomAD exomes below 0.00001.
gnomAD v4.1: 1 of 1,613,294 alleles (0.000062%); highest among the groups gnomAD compares: Non-Finnish European, 0.000085%; no homozygotes.

Submissions (3):

Mayo Clinic Laboratories, Mayo Clinic
Classification: Pathogenic. Last evaluated: 2024-07-29. Review status: criteria provided, single submitter. Criteria: ACMG Guidelines, 2015. Collection method: clinical testing. Allele origin: germline. Observed: 1 variant allele.
Comment: PP3, PM2, PM6_strong, PS3, PS4_moderate

Labcorp Genetics (formerly Invitae), Labcorp
Classification: Pathogenic for Costello syndrome. Last evaluated: 2024-03-21. Review status: criteria provided, single submitter. Criteria: Invitae Variant Classification Sherloc (09022015). Collection method: clinical testing. Allele origin: germline.
Comment: This sequence change replaces glycine, which is neutral and non-polar, with aspartic acid, which is acidic and polar, at codon 60 of the HRAS protein (p.Gly60Asp). This variant is not present in population databases (gnomAD no frequency). This missense change has been observed in individual(s) with clinical features of Costello and Noonan syndrome (PMID: 25914166, 26467218, 28139825, 30732632). In at least one individual the variant was observed to be de novo. ClinVar contains an entry for this variant (Variation ID: 40436). Advanced modeling of protein sequence and biophysical properties (such as structural, functional, and spatial information, amino acid conservation, physicochemical variation, residue mobility, and thermodynamic stability) performed at Invitae indicates that this missense variant is expected to disrupt HRAS protein function with a positive predictive value of 80%. Experimental studies have shown that this missense change affects HRAS function (PMID: 28139825). This variant disrupts the p.Gly60 amino acid residue in HRAS. Other variant(s) that disrupt this residue have been observed in individuals with HRAS-related conditions (PMID: 28027064), which suggests that this may be a clinically significant amino acid residue. For these reasons, this variant has been classified as Pathogenic.

GeneDx
Classification: Pathogenic. Last evaluated: 2018-06-25. Review status: criteria provided, single submitter. Criteria: GeneDx Variant Classification (06012015). Collection method: clinical testing. Allele origin: germline. Affected: yes.
Comment: The G60D variant has been reported in multiple individuals, including apparently de novo occurrences, in association with attenuated Costello syndrome (Gripp et al., 2015). The G60D variant is not observed in large population cohorts (Lek et al., 2016). The G60D variant is a non-conservative amino acid substitution, which is likely to impact secondary protein structure as these residues differ in polarity, charge, size and/or other properties. In-silico analyses, including protein predictors and evolutionary conservation, support a deleterious effect. Other pathogenic missense variants in this residue in other RAS genes (KRAS: G60S/R/V; NRAS: G60R/E) have been reported in the Human Gene Mutation Database in association with RASopathies (Stenson et al., 2014). This variant is interpreted to be pathogenic.

Literature cited by the submitters: PubMed 25914166 (cited by Mayo Clinic Laboratories, Mayo Clinic and Labcorp Genetics (formerly Invitae), Labcorp); PubMed 28027064 (cited by Mayo Clinic Laboratories, Mayo Clinic and Labcorp Genetics (formerly Invitae), Labcorp); PubMed 28139825 (cited by Mayo Clinic Laboratories, Mayo Clinic and Labcorp Genetics (formerly Invitae), Labcorp); PubMed 30732632 (cited by Mayo Clinic Laboratories, Mayo Clinic and Labcorp Genetics (formerly Invitae), Labcorp); PubMed 26467218 (cited by Labcorp Genetics (formerly Invitae), Labcorp).